The following is an entry in ClinVar:

ClinVar aggregate classification (germline): Uncertain significance. Review status: criteria provided, multiple submitters, no conflicts (2 of 4 stars). 3 submissions from 3 submitters: Uncertain significance (3). Last evaluated 2025-05-01.

Conditions:
Autosomal recessive hypophosphatemic bone disease (HHRH). Also called: Hypophosphatemic rickets with hypercalciuria; HYPERCALCIURIC RICKETS. Identifiers: Orphanet 157215, MedGen C1853271, MONDO:0009431, OMIM 241530.

Allele frequency attached by ClinVar (database versions not stated): gnomAD 0.00003; gnomAD exomes 0.00003 and 0.00004; TOPMed 0.00005; ExAC 0.00009.

Submissions (3):

Rare Kidney Stone Consortium and the Mayo Clinic Hyperoxaluria Center, Mayo Clinic
Classification: Uncertain significance for Autosomal recessive hypophosphatemic bone disease. Last evaluated: 2025-05-01. Review status: criteria provided, single submitter. Criteria: ACMG Guidelines, 2015. Collection method: research. Allele origin: germline.
Comment: ACMG: PM4, PP3

heterozygote

Labcorp Genetics (formerly Invitae), Labcorp
Classification: Uncertain significance. Last evaluated: 2022-06-26. Review status: criteria provided, single submitter. Criteria: Invitae Variant Classification Sherloc (09022015). Collection method: clinical testing. Allele origin: germline.
Comment: This sequence change falls in intron 6 of the SLC34A3 gene. It does not directly change the encoded amino acid sequence of the SLC34A3 protein. This variant is present in population databases (rs756580408, gnomAD 0.008%). This variant has been observed in individual(s) with clinical features of SLC34A3-related conditions (PMID: 33226606). ClinVar contains an entry for this variant (Variation ID: 862200). Algorithms developed to predict the effect of sequence changes on RNA splicing suggest that this variant may disrupt the consensus splice site. In summary, the available evidence is currently insufficient to determine the role of this variant in disease. Therefore, it has been classified as a Variant of Uncertain Significance.

Fulgent Genetics
Classification: Uncertain significance for Autosomal recessive hypophosphatemic bone disease. Last evaluated: 2022-01-27. Review status: criteria provided, single submitter. Criteria: ACMG Guidelines, 2015. Collection method: clinical testing. Allele origin: unknown.

Literature cited by the submitters: PubMed 34805638 (cited by Rare Kidney Stone Consortium and the Mayo Clinic Hyperoxaluria Center, Mayo Clinic); PubMed 33226606 (cited by Rare Kidney Stone Consortium and the Mayo Clinic Hyperoxaluria Center, Mayo Clinic and Labcorp Genetics (formerly Invitae), Labcorp).

NM_001177316.2(SLC34A3):c.561-8G>A

Gene: SLC34A3 (solute carrier family 34 member 3; plus strand). Cytogenetic location: 9q34.3.
Variant type: single nucleotide variant.
Coding change: c.561-8G>A on transcript NM_001177316.2 (MANE Select); 8 bases into the intron before coding-DNA position 561, G replaced by A.
Molecular consequence: intron variant.
Genome position (GRCh38, 1-based): chr9:137,233,201, G>A. VCF-style: chr9-137233201-G-A. GRCh37 (hg19) VCF-style: chr9-140127653-G-A.
Other names: c.561-8G>A (NM_001177317.2, NM_080877.3).
Identifiers: ClinVar variation 862200 (VCV000862200.9), dbSNP rs756580408, ClinGen allele CA5364488.
Genomic context (GRCh38, chr9:137,233,201, plus strand): 5'-CTGGGGCTGCAGTGGCAGCCCCAGCCCGGGCCCCCCCACCTGACCCTGCCCACTCTCTGC[G>A]GCCACAGGGCTTTCAGCGGCTCGGCGGTGCACGGGATCTTCAACTGGCTCACAGTGCTGG-3'